The following is an entry in ClinVar:

NM_007078.3(LDB3):c.144C>T (p.Leu48=)

Gene: LDB3 (LIM domain binding 3; plus strand). Cytogenetic location: 10q23.2.
Variant type: single nucleotide variant.
Coding change: c.144C>T on transcript NM_007078.3 (MANE Select); coding-DNA position 144, C replaced by T.
Protein change: p.Leu48=; no amino-acid change (leucine 48 retained).
Molecular consequence: synonymous variant.
Genome position (GRCh38, 1-based): chr10:86,679,417, C>T. VCF-style: chr10-86679417-C-T. GRCh37 (hg19) VCF-style: chr10-88439174-C-T.
Other names: c.144C>T, p.Leu48= (NM_001080116.1, NM_001080114.2, NM_001080115.2 and 8 more transcripts).
Identifiers: ClinVar variation 45518 (VCV000045518.13), dbSNP rs397517213, ClinGen allele CA136511.

ClinVar aggregate classification (germline): Likely benign. Review status: criteria provided, multiple submitters, no conflicts (2 of 4 stars). 4 submissions from 4 submitters: Likely benign (4). Last evaluated 2024-11-17.

Conditions:
Cardiovascular phenotype. Identifiers: MedGen CN230736.
Myofibrillar myopathy 4. Also called: Zaspopathy (type). Identifiers: Orphanet 98912, MedGen C4721886, MONDO:0012277, OMIM 609452.

Allele frequency attached by ClinVar (database versions not stated): TOPMed 0.00001.
gnomAD v4.1: 5 of 1,614,052 alleles (0.00031%); highest among the groups gnomAD compares: Non-Finnish European, 0.00042%; no homozygotes.

Submissions (4):

Labcorp Genetics (formerly Invitae), Labcorp
Classification: Likely benign for Myofibrillar myopathy 4. Last evaluated: 2024-11-17. Review status: criteria provided, single submitter. Criteria: Invitae Variant Classification Sherloc (09022015). Collection method: clinical testing. Allele origin: germline.

Ambry Genetics
Classification: Likely benign for Cardiovascular phenotype. Last evaluated: 2024-10-28. Review status: criteria provided, single submitter. Criteria: Ambry Variant Classification Scheme 2023. Collection method: clinical testing. Allele origin: germline.

GeneDx
Classification: Likely benign. Last evaluated: 2016-12-05. Review status: criteria provided, single submitter. Criteria: GeneDx Variant Classification (06012015). Collection method: clinical testing. Allele origin: germline. Affected: yes.
Comment: This variant is considered likely benign or benign based on one or more of the following criteria: it is a conservative change, it occurs at a poorly conserved position in the protein, it is predicted to be benign by multiple in silico algorithms, and/or has population frequency not consistent with disease.

Laboratory for Molecular Medicine, Mass General Brigham Personalized Medicine
Classification: Likely benign. Last evaluated: 2012-07-31. Review status: criteria provided, single submitter. Criteria: LMM Criteria. Collection method: clinical testing. Allele origin: germline. Observed: 1 variant allele.
Comment: Leu48Leu in exon 02 of LDB3: This variant is not expected to have clinical signi ficance because it does not alter an amino acid residue and is not located withi n the splice consensus sequence. Leu48Leu in exon 02 of LDB3 (allele frequency= n/a)